The following is an entry in ClinVar:

ClinVar aggregate classification (germline): Uncertain significance. Review status: criteria provided, multiple submitters, no conflicts (2 of 4 stars). 3 submissions from 3 submitters: Uncertain significance (3). Last evaluated 2025-11-29.

Conditions:
Hereditary cancer-predisposing syndrome. Also called: Tumor predisposition; Neoplastic Syndromes, Hereditary; Hereditary Cancer Syndrome; Hereditary neoplastic syndrome. Identifiers: Orphanet 140162, MedGen C0027672, MeSH D009386, MONDO:0015356.
Familial cancer of breast. Also called: BREAST CANCER, FAMILIAL; Hereditary breast cancer; hereditary breast carcinoma. Identifiers: Orphanet 227535, MedGen C0346153, MONDO:0016419, OMIM 114480. Disease mechanism: loss of function.
Fanconi anemia complementation group J. Also called: BRIP1-Related Fanconi Anemia. Identifiers: Orphanet 84, MedGen C1836860, MONDO:0012187, OMIM 609054.

Submissions (3):

Ambry Genetics
Classification: Uncertain significance for Hereditary cancer-predisposing syndrome. Last evaluated: 2025-11-29. Review status: criteria provided, single submitter. Criteria: Ambry Variant Classification Scheme 2023. Collection method: clinical testing. Allele origin: germline.
Comment: The p.S189L variant (also known as c.566C>T), located in coding exon 5 of the BRIP1 gene, results from a C to T substitution at nucleotide position 566. The serine at codon 189 is replaced by leucine, an amino acid with dissimilar properties. This amino acid position is well conserved in available vertebrate species. In addition, this alteration is predicted to be tolerated by in silico analysis. Since supporting evidence is limited at this time, the clinical significance of this alteration remains unclear.

Labcorp Genetics (formerly Invitae), Labcorp
Classification: Uncertain significance for Familial cancer of breast; Fanconi anemia complementation group J. Last evaluated: 2021-08-26. Review status: criteria provided, single submitter. Criteria: Invitae Variant Classification Sherloc (09022015). Collection method: clinical testing. Allele origin: germline.
Comment: This sequence change replaces serine with leucine at codon 189 of the BRIP1 protein (p.Ser189Leu). The serine residue is weakly conserved and there is a large physicochemical difference between serine and leucine. This variant is not present in population databases (ExAC no frequency). This variant has not been reported in the literature in individuals affected with BRIP1-related conditions. ClinVar contains an entry for this variant (Variation ID: 628465). Algorithms developed to predict the effect of missense changes on protein structure and function output the following: SIFT: "Tolerated"; PolyPhen-2: "Benign"; Align-GVGD: "Class C0". The leucine amino acid residue is found in multiple mammalian species, which suggests that this missense change does not adversely affect protein function. In summary, the available evidence is currently insufficient to determine the role of this variant in disease. Therefore, it has been classified as a Variant of Uncertain Significance.

Color Diagnostics, LLC DBA Color Health
Classification: Uncertain significance for Hereditary cancer-predisposing syndrome. Last evaluated: 2019-06-03. Review status: criteria provided, single submitter. Criteria: ACMG Guidelines, 2015. Collection method: clinical testing. Allele origin: germline.

NM_032043.3(BRIP1):c.566C>T (p.Ser189Leu)

Gene: BRIP1 (BRCA1 interacting DNA helicase 1; minus strand). Cytogenetic location: 17q23.2.
Variant type: single nucleotide variant.
Coding change: c.566C>T on transcript NM_032043.3 (MANE Select); coding-DNA position 566, C replaced by T.
Protein change: p.Ser189Leu; replaces serine 189 with leucine.
Molecular consequence: missense variant.
Genome position (GRCh38, 1-based): chr17:61,847,162, G>A on the plus strand (C>T on the coding strand, the complement: BRIP1 is on the minus strand). VCF-style: chr17-61847162-G-A. GRCh37 (hg19) VCF-style: chr17-59924523-G-A.
Other names: short protein forms S189L.
Identifiers: ClinVar variation 628465 (VCV000628465.12), dbSNP rs1555615763, ClinGen allele CA400483079.
Genomic context (GRCh38, chr17:61,847,162, plus strand): 5'-TTCTGTGGCGAAAAGGAGTTTATCTTTTCCAGTGGAGAGTTGAGTTTTACAGTCTTTCCT[G>A]AATCAACTTTTGCATCCAAATTGTGTACTTCTGTTCCAAAGCAATGACGTTTTCTAATCT-3'
Protein context (NP_114432.2, residues 179-199): EVHNLDAKVD[Ser189Leu]GKTVKLNSPL